The following is an entry in ClinVar:

ClinVar aggregate classification (germline): Benign/Likely benign. Review status: criteria provided, multiple submitters, no conflicts (2 of 4 stars). 20 submissions from 17 submitters: Benign (14); Likely benign (3). 3 of the submissions do not count toward it. Last evaluated 2026-02-03.

Conditions:
Ventricular fibrillation. Identifiers: MedGen C0042510, MONDO:0000190, HP:0001663.
Cardiomyopathy (CMYO). Also called: Cardiomyopathies. Identifiers: Orphanet 167848, MedGen C0878544, MONDO:0004994, HP:0001638. Inheritance: Various modes of inheritance.
Cardiovascular phenotype. Identifiers: MedGen CN230736.
Dilated cardiomyopathy 1G (CMD1G). Identifiers: Orphanet 154, MedGen C1858763, MONDO:0011400, OMIM 604145.
Autosomal recessive limb-girdle muscular dystrophy type 2J (LGMDR10). Also called: Limb-girdle muscular dystrophy, type 2J; MUSCULAR DYSTROPHY, LIMB-GIRDLE, AUTOSOMAL RECESSIVE 10. Identifiers: Orphanet 140922, MedGen C1837342, MONDO:0012127, OMIM 608807.
Early-onset myopathy with fatal cardiomyopathy (CMYO5). Also called: CONGENITAL MYOPATHY 5 WITH CARDIOMYOPATHY; Salih Myopathy. Identifiers: Orphanet 289377, MedGen C2673677, MONDO:0012714, OMIM 611705. Disease mechanism: loss of function.
Myopathy, myofibrillar, 9, with early respiratory failure (MFM9). Also called: MYOPATHY, PROXIMAL, WITH EARLY RESPIRATORY MUSCLE INVOLVEMENT; Myopathy, distal, with early respiratory failure, autosomal dominant; Hereditary myopathy with early respiratory failure; EDSTROM MYOPATHY. Identifiers: Orphanet 178464, Orphanet 34521, MedGen C1863599, MONDO:0011362, OMIM 603689.
Tibial muscular dystrophy (TMD). Also called: Tibial muscular dystrophy, tardive; UDD MYOPATHY; Udd Distal Myopathy – Tibial Muscular Dystrophy. Identifiers: Orphanet 609, MedGen C1838244, MONDO:0010870, OMIM 600334.

Allele frequency attached by ClinVar (database versions not stated): gnomAD exomes 0.00062 and 0.00149; ExAC 0.00184; 1000 Genomes Project 0.00539; 1000 Genomes Project 30x 0.00562; gnomAD 0.00645 and 0.00702; ESP Exome Variant Server 0.00679; TOPMed 0.00765.
gnomAD v4.1: 1,909 of 1,613,168 alleles (0.12%); highest among the groups gnomAD compares: African/African-American, 2.3%; 27 homozygotes.

Submissions (20):

Labcorp Genetics (formerly Invitae), Labcorp
Classification: Benign for Dilated cardiomyopathy 1G; Autosomal recessive limb-girdle muscular dystrophy type 2J. Last evaluated: 2026-02-03. Review status: criteria provided, single submitter. Criteria: Invitae Variant Classification Sherloc (09022015). Collection method: clinical testing. Allele origin: germline.

ARUP Laboratories, Molecular Genetics and Genomics, ARUP Laboratories
Classification: Benign. Last evaluated: 2025-05-14. Review status: criteria provided, single submitter. Criteria: ARUP Molecular Germline Variant Investigation Process 2024. Collection method: clinical testing. Allele origin: germline.

Molecular Diagnostic Laboratory for Inherited Cardiovascular Disease, Montreal Heart Institute
Classification: Benign. Last evaluated: 2025-04-09. Review status: criteria provided, single submitter. Criteria: ACMG Guidelines, 2015. Collection method: clinical testing. Allele origin: germline. Affected: no.

Mayo Clinic Laboratories, Mayo Clinic
Classification: Benign. Last evaluated: 2024-08-12. Review status: criteria provided, single submitter. Criteria: ACMG Guidelines, 2015. Collection method: clinical testing. Allele origin: germline. Observed: 10 variant alleles.
Comment: BA1, BS2

Genome-Nilou Lab
Classification: Benign for Autosomal recessive limb-girdle muscular dystrophy type 2J. Last evaluated: 2021-09-10. Review status: criteria provided, single submitter. Criteria: ACMG Guidelines, 2015. Collection method: clinical testing. Allele origin: germline. Affected: no.

Genome-Nilou Lab
Classification: Benign for Myopathy, myofibrillar, 9, with early respiratory failure. Last evaluated: 2021-09-10. Review status: criteria provided, single submitter. Criteria: ACMG Guidelines, 2015. Collection method: clinical testing. Allele origin: germline. Affected: no.

Genome-Nilou Lab
Classification: Benign for Early-onset myopathy with fatal cardiomyopathy. Last evaluated: 2021-09-10. Review status: criteria provided, single submitter. Criteria: ACMG Guidelines, 2015. Collection method: clinical testing. Allele origin: germline. Affected: no.

Genome-Nilou Lab
Classification: Benign for Tibial muscular dystrophy. Last evaluated: 2021-09-10. Review status: criteria provided, single submitter. Criteria: ACMG Guidelines, 2015. Collection method: clinical testing. Allele origin: germline. Affected: no.

Women's Health and Genetics/Laboratory Corporation of America, LabCorp
Classification: Likely benign. Last evaluated: 2021-01-28. Review status: criteria provided, single submitter. Criteria: LabCorp Variant Classification Summary - May 2015. Collection method: clinical testing. Allele origin: germline.

Athena Diagnostics
Classification: Benign. Last evaluated: 2021-01-05. Review status: criteria provided, single submitter. Criteria: Athena Diagnostics criteria. Collection method: clinical testing. Allele origin: unknown.

Center for Advanced Laboratory Medicine, UC San Diego Health, University of California San Diego
Classification: Benign for Ventricular fibrillation; Cardiomyopathy. Last evaluated: 2019-05-20. Review status: criteria provided, single submitter. Criteria: ACMG Guidelines, 2015. Collection method: clinical testing. Allele origin: germline. Affected: yes. Observed: 4 variant alleles.

CHEO Genetics Diagnostic Laboratory, Children's Hospital of Eastern Ontario
Classification: Benign for Cardiomyopathy. Last evaluated: 2017-08-15. Review status: criteria provided, single submitter. Criteria: ACMG Guidelines, 2015. Collection method: clinical testing. Allele origin: germline. Study: Canadian Open Genetics Repository.

GeneDx
Classification: Benign. Last evaluated: 2014-04-20. Review status: criteria provided, single submitter. Criteria: GeneDx Variant Classification (06012015). Collection method: clinical testing. Allele origin: germline. Affected: yes.
Comment: This variant is considered likely benign or benign based on one or more of the following criteria: it is a conservative change, it occurs at a poorly conserved position in the protein, it is predicted to be benign by multiple in silico algorithms, and/or has population frequency not consistent with disease.

Biesecker Lab/Clinical Genomics Section, National Institutes of Health
Classification: Benign. Last evaluated: 2013-06-24. Review status: criteria provided, single submitter. Criteria: Ng et al. (Circ Cardiovasc Genet. 2013). Collection method: research. Allele origin: unknown. Observed: 2 variant alleles. Study: ClinSeq.
Comment: The study set was not selected for affection status in relation to any cancer. Pathogenicity categories were based on literature curation. See Pubmed ID:23861362 for details.

Medical sequencing

Ambry Genetics
Classification: Likely benign for Cardiovascular phenotype. Last evaluated: 2012-12-07. Review status: criteria provided, single submitter. Criteria: Ambry Autosomal Dominant and X-Linked criteria (10/2015). Collection method: clinical testing. Allele origin: germline. Observed: 1 variant allele.

Laboratory for Molecular Medicine, Mass General Brigham Personalized Medicine
Classification: Benign. Last evaluated: 2012-04-10. Review status: criteria provided, single submitter. Criteria: LMM Criteria. Collection method: clinical testing. Allele origin: germline. Observed: 15 variant alleles.
Comment: 2.1% (66/3130) of Afr American chrom from ESP

Breakthrough Genomics
Classification: Likely benign. Review status: criteria provided, single submitter. Criteria: ACMG Guidelines, 2015. Collection method: not provided. Allele origin: germline. Inheritance: Autosomal recessive inheritance. Affected: yes.

Clinical Genetics, Academic Medical Center
Classification: Benign. Review status: no assertion criteria provided. Collection method: clinical testing. Allele origin: germline. Affected: yes. Study: VKGL Data-share Consensus. Not counted in ClinVar's aggregate classification.

Diagnostic Laboratory, Department of Genetics, University Medical Center Groningen
Classification: Likely benign. Review status: no assertion criteria provided. Collection method: clinical testing. Allele origin: germline. Affected: yes. Study: VKGL Data-share Consensus. Not counted in ClinVar's aggregate classification.

Joint Genome Diagnostic Labs from Nijmegen and Maastricht, Radboudumc and MUMC+
Classification: Benign. Review status: no assertion criteria provided. Collection method: clinical testing. Allele origin: germline. Affected: yes. Study: VKGL Data-share Consensus. Not counted in ClinVar's aggregate classification.

NM_001267550.2(TTN):c.57464G>A (p.Arg19155Lys)

Genes: TTN-AS1 (TTN antisense RNA 1; plus strand), TTN (titin; minus strand). Cytogenetic location: 2q31.2.
Variant type: single nucleotide variant.
Coding change: c.57464G>A on transcript NM_001267550.2 (MANE Select); coding-DNA position 57464, G replaced by A.
Protein change: p.Arg19155Lys; replaces arginine 19155 with lysine.
Molecular consequence: missense variant. On other transcripts: non-coding transcript variant (2).
Genome position (GRCh38, 1-based): chr2:178,597,618, C>T on the plus strand (G>A on the coding strand, the complement: TTN is on the minus strand). VCF-style: chr2-178597618-C-T. GRCh37 (hg19) VCF-style: chr2-179462345-C-T.
Other names: p.R17514K:AGG>AAG; c.52541G>A, p.Arg17514Lys (NM_001256850.1); c.49760G>A, p.Arg16587Lys (NM_133378.4); c.57464G>A (NM_001267550.1); c.30269G>A, p.Arg10090Lys (NM_003319.4); c.30644G>A, p.Arg10215Lys (NM_133432.3); c.30845G>A, p.Arg10282Lys (NM_133437.4); short protein forms R19155K, R16587K, R17514K, R10215K, R10090K, R10282K.
Identifiers: ClinVar variation 47124 (VCV000047124.45), dbSNP rs72646833, ClinGen allele CA283485.